The following is an entry in ClinVar:

ClinVar aggregate classification (germline): Likely pathogenic (1 of 4 stars; one submission).

Conditions:
Sifrim-Hitz-Weiss syndrome (SIHIWES). Also called: CHD4 Neurodevelopmental Disorder; SIFRIM-HITZ-WEISS MULTIPLE CONGENITAL ANOMALIES-MENTAL RETARDATION SYNDROME. Identifiers: Orphanet 653712, MedGen C4310688, MONDO:0014946, OMIM 617159.

Submission:

Laboratory of Medical Genetics, National & Kapodistrian University of Athens
Classification: Likely pathogenic for Sifrim-Hitz-Weiss syndrome. Last evaluated: 2023-09-20. Review status: criteria provided, single submitter. Criteria: ACMG Guidelines, 2015. Collection method: clinical testing. Allele origin: de novo. Affected: yes.
Comment: PS2, PM1, PM2, PP3 - Low frequency in gnomAD population databases. In silico prediction tools estimated that the variant could be damaging for the protein function/stracture. The variant was detected de-novo (paternity confirmed).

NM_001273.5(CHD4):c.3478G>A (p.Ala1160Thr)

Gene: CHD4 (chromodomain helicase DNA binding protein 4; minus strand). Cytogenetic location: 12p13.31.
Variant type: single nucleotide variant.
Coding change: c.3478G>A on transcript NM_001273.5 (MANE Select); coding-DNA position 3478, G replaced by A.
Protein change: p.Ala1160Thr; replaces alanine 1160 with threonine.
Molecular consequence: missense variant.
Genome position (GRCh38, 1-based): chr12:6,587,937, C>T on the plus strand (G>A on the coding strand, the complement: CHD4 is on the minus strand). VCF-style: chr12-6587937-C-T. GRCh37 (hg19) VCF-style: chr12-6697103-C-T.
Other names: c.3457G>A, p.Ala1153Thr (NM_001297553.2); c.3439G>A, p.Ala1147Thr (NM_001363606.2); short protein forms A1147T, A1153T, A1160T.
Identifiers: ClinVar variation 3256556 (VCV003256556.1).